The following is an entry in ClinVar:

ClinVar aggregate classification (germline): Pathogenic (1 of 4 stars; one submission).

Conditions:
Short-rib thoracic dysplasia 13 with or without polydactyly (SRTD13). Identifiers: Orphanet 474, MedGen C4225378, MONDO:0014577, OMIM 616300.

gnomAD v4.1: 32 of 1,606,540 alleles (0.002%); highest among the groups gnomAD compares: East Asian, 0.0045%; no homozygotes.

Submission:

Labcorp Genetics (formerly Invitae), Labcorp
Classification: Pathogenic for Short-rib thoracic dysplasia 13 with or without polydactyly. Last evaluated: 2025-08-14. Review status: criteria provided, single submitter. Criteria: Invitae Variant Classification Sherloc (09022015). Collection method: clinical testing. Allele origin: germline.
Comment: This sequence change creates a premature translational stop signal (p.Arg850*) in the CEP120 gene. It is expected to result in an absent or disrupted protein product. Loss-of-function variants in CEP120 are known to be pathogenic (PMID: 25251415, 27208211). The frequency data for this variant in the population databases is considered unreliable, as metrics indicate poor data quality at this position in the gnomAD database. This variant has not been reported in the literature in individuals affected with CEP120-related conditions. ClinVar contains an entry for this variant (Variation ID: 3670898). For these reasons, this variant has been classified as Pathogenic.

Literature cited by the submitters: PubMed 25251415; PubMed 27208211.

NM_001375405.1(CEP120):c.2548C>T (p.Arg850Ter)

Gene: CEP120 (centrosomal protein 120; minus strand). Cytogenetic location: 5q23.2.
Variant type: single nucleotide variant.
Coding change: c.2548C>T on transcript NM_001375405.1 (MANE Select); coding-DNA position 2548, C replaced by T.
Protein change: p.Arg850Ter; replaces arginine 850 with a stop codon.
Molecular consequence: nonsense. On other transcripts: non-coding transcript variant (1).
Genome position (GRCh38, 1-based): chr5:123,364,528, G>A on the plus strand (C>T on the coding strand, the complement: CEP120 is on the minus strand). VCF-style: chr5-123364528-G-A. GRCh37 (hg19) VCF-style: chr5-122700222-G-A.
Other names: c.2470C>T, p.Arg824Ter (NM_001166226.2); c.2413C>T, p.Arg805Ter (NM_001375406.1); c.2548C>T, p.Arg850Ter (NM_001375407.1, NM_153223.4); c.1975C>T, p.Arg659Ter (NM_001375408.1, NM_001375409.1); short protein forms R659*, R805*, R824*, R850*.
Identifiers: ClinVar variation 3670898 (VCV003670898.2).
Genomic context (GRCh38, chr5:123,364,528, plus strand): 5'-TAAAAAGAATAAGCTATAAACTACATACCTGTTTAAGTCTGGCAAGTTCTTTCAAAGCTC[G>A]TCCCCACTGCTGCTTGTAATGCAGTTTAGACTTAGTTGCAGATTCCAACTTTCTTTCAAG-3'